The following is an entry in ClinVar:

NM_000760.4(CSF3R):c.161A>G (p.His54Arg)

Gene: CSF3R (colony stimulating factor 3 receptor; minus strand). Cytogenetic location: 1p34.3.
Variant type: single nucleotide variant.
Coding change: c.161A>G on transcript NM_000760.4 (MANE Select); coding-DNA position 161, A replaced by G.
Protein change: p.His54Arg; replaces histidine 54 with arginine.
Molecular consequence: missense variant.
Genome position (GRCh38, 1-based): chr1:36,475,577, T>C on the plus strand (A>G on the coding strand, the complement: CSF3R is on the minus strand). VCF-style: chr1-36475577-T-C. GRCh37 (hg19) VCF-style: chr1-36941178-T-C.
Other names: c.161A>G, p.His54Arg (NM_156039.3, NM_172313.3); short protein forms H54R.
Identifiers: ClinVar variation 4996629 (VCV004996629.1).

ClinVar aggregate classification (germline): Uncertain significance (1 of 4 stars; one submission).

Conditions:
CSF3R-related disorder. Also called: CSF3R-related condition.

gnomAD v4.1: 11 of 1,613,210 alleles (0.00068%); highest among the groups gnomAD compares: Admixed American, 0.0017%; no homozygotes.

Submission:

PreventionGenetics, part of Exact Sciences
Classification: Uncertain significance for CSF3R-related condition. Last evaluated: 2026-08-25. Review status: criteria provided, single submitter. Criteria: ACMG Guidelines, 2015. Collection method: clinical testing. Allele origin: germline.
Comment: The CSF3R c.161A>G variant is predicted to result in the amino acid substitution p.His54Arg. To our knowledge, this variant has not been reported in the literature. This variant is reported in 0.0031% of alleles in individuals of European (Non-Finnish) descent in gnomAD. At this time, the clinical significance of this variant is uncertain due to the absence of conclusive functional and genetic evidence.